The following is an entry in ClinVar:

ClinVar aggregate classification (germline): Uncertain significance. Review status: criteria provided, multiple submitters, no conflicts (2 of 4 stars). 2 submissions from 2 submitters: Uncertain significance (2). Last evaluated 2022-11-07.

Conditions:
ALMS1-related disorder. Also called: ALMS1-related condition.
Alstrom syndrome (ALMS). Identifiers: Orphanet 64, MedGen C0268425, MONDO:0008763, OMIM 203800.

Allele frequency attached by ClinVar (database versions not stated): gnomAD exomes below 0.00001; TOPMed below 0.00001; gnomAD 0.00001.
gnomAD v4.1: 7 of 1,612,898 alleles (0.00043%); highest among the groups gnomAD compares: Non-Finnish European, 0.00059%; no homozygotes.

Submissions (2):

PreventionGenetics, part of Exact Sciences
Classification: Uncertain significance for ALMS1-related condition. Last evaluated: 2022-11-07. Review status: criteria provided, single submitter. Criteria: ACMG Guidelines, 2015. Collection method: clinical testing. Allele origin: germline.
Comment: The ALMS1 c.4178A>G variant is predicted to result in the amino acid substitution p.Gln1393Arg. To our knowledge, this variant has not been reported in the literature. This variant is reported in 0.0065% of alleles in individuals of African descent in gnomAD. At this time, the clinical significance of this variant is uncertain due to the absence of conclusive functional and genetic evidence.

Revvity Omics, Revvity
Classification: Uncertain significance for Alstrom syndrome. Last evaluated: 2021-11-17. Review status: criteria provided, single submitter. Criteria: ACMG Guidelines, 2015. Collection method: clinical testing. Allele origin: germline.

NM_001378454.1(ALMS1):c.4175A>G (p.Tyr1392Cys)

Gene: ALMS1 (ALMS1 centrosome and basal body associated protein; plus strand). Cytogenetic location: 2p13.1.
Variant type: single nucleotide variant.
Coding change: c.4175A>G on transcript NM_001378454.1 (MANE Select); coding-DNA position 4175, A replaced by G.
Protein change: p.Tyr1392Cys; replaces tyrosine 1392 with cysteine.
Molecular consequence: missense variant.
Genome position (GRCh38, 1-based): chr2:73,450,702, A>G. VCF-style: chr2-73450702-A-G. GRCh37 (hg19) VCF-style: chr2-73677829-A-G.
Other names: c.4178A>G, p.Tyr1393Cys (NM_015120.4); short protein forms Y1392C, Y1393C.
Identifiers: ClinVar variation 2438998 (VCV002438998.4), dbSNP rs1395039285, ClinGen allele CA347277634.
Genomic context (GRCh38, chr2:73,450,702, plus strand): 5'-GCACACCAACTGTAACCTCTACTTCTTACTCACAACATACAGAGAAGCCGAGTATTTTCT[A>G]CCAACAGTCGTTGCCAGGTAGTCATCTAACTGAAGAGGCTAAGAACGTTTCAGCGGTTCC-3'
Protein context (NP_001365383.1, residues 1382-1402): SQHTEKPSIF[Tyr1392Cys]QQSLPGSHLT